The following is an entry in ClinVar:

ClinVar aggregate classification (germline): Uncertain significance (1 of 4 stars; one submission).

Conditions:
Chédiak-Higashi syndrome (CHS). Also called: Chediak-Higashi Syndrome. Identifiers: Orphanet 167, MedGen C0007965, MONDO:0008963, OMIM 214500.

Submission:

Labcorp Genetics (formerly Invitae), Labcorp
Classification: Uncertain significance for Chédiak-Higashi syndrome. Last evaluated: 2024-02-23. Review status: criteria provided, single submitter. Criteria: Invitae Variant Classification Sherloc (09022015). Collection method: clinical testing. Allele origin: germline.
Comment: This sequence change replaces alanine, which is neutral and non-polar, with glycine, which is neutral and non-polar, at codon 1546 of the LYST protein (p.Ala1546Gly). This variant is not present in population databases (gnomAD no frequency). This variant has not been reported in the literature in individuals affected with LYST-related conditions. Advanced modeling of protein sequence and biophysical properties (such as structural, functional, and spatial information, amino acid conservation, physicochemical variation, residue mobility, and thermodynamic stability) performed at Invitae indicates that this missense variant is expected to disrupt LYST protein function with a positive predictive value of 80%. In summary, the available evidence is currently insufficient to determine the role of this variant in disease. Therefore, it has been classified as a Variant of Uncertain Significance.

NM_000081.4(LYST):c.4637C>G (p.Ala1546Gly)

Gene: LYST (lysosomal trafficking regulator; minus strand). Cytogenetic location: 1q42.3.
Variant type: single nucleotide variant.
Coding change: c.4637C>G on transcript NM_000081.4 (MANE Select); coding-DNA position 4637, C replaced by G.
Protein change: p.Ala1546Gly; replaces alanine 1546 with glycine.
Molecular consequence: missense variant.
Genome position (GRCh38, 1-based): chr1:235,788,752, G>C on the plus strand (C>G on the coding strand, the complement: LYST is on the minus strand). VCF-style: chr1-235788752-G-C. GRCh37 (hg19) VCF-style: chr1-235952052-G-C.
Other names: c.4637C>G, p.Ala1546Gly (NM_001301365.1); short protein forms A1546G.
Identifiers: ClinVar variation 3016838 (VCV003016838.3), dbSNP rs142983846, ClinGen allele CA344958204.